The following is an entry in ClinVar:

ClinVar aggregate classification (germline): Uncertain significance (1 of 4 stars; one submission).

Conditions:
Inborn genetic diseases. Identifiers: MedGen C0950123, MeSH D030342.

Submission:

Ambry Genetics
Classification: Uncertain significance for Inborn genetic diseases. Last evaluated: 2024-09-18. Review status: criteria provided, single submitter. Criteria: Ambry Variant Classification Scheme 2023. Collection method: clinical testing. Allele origin: germline.
Comment: The p.D496N variant (also known as c.1486G>A), located in coding exon 11 of the ACD gene, results from a G to A substitution at nucleotide position 1486. The aspartic acid at codon 496 is replaced by asparagine, an amino acid with highly similar properties. This amino acid position is conserved. In addition, this alteration is predicted to be tolerated by in silico analysis. Based on the available evidence, the clinical significance of this variant remains unclear.

NM_001082486.2(ACD):c.1228G>A (p.Asp410Asn)

Gene: ACD (ACD shelterin complex subunit and telomerase recruitment factor; minus strand). Cytogenetic location: 16q22.1.
Variant type: single nucleotide variant.
Coding change: c.1228G>A on transcript NM_001082486.2 (MANE Select); coding-DNA position 1228, G replaced by A.
Protein change: p.Asp410Asn; replaces aspartic acid 410 with asparagine.
Molecular consequence: missense variant.
Genome position (GRCh38, 1-based): chr16:67,657,832, C>T on the plus strand (G>A on the coding strand, the complement: ACD is on the minus strand). VCF-style: chr16-67657832-C-T. GRCh37 (hg19) VCF-style: chr16-67691735-C-T.
Other names: c.1141G>A, p.Asp381Asn (NM_001410884.1); c.1219G>A, p.Asp407Asn (NM_022914.3); short protein forms D407N, D381N, D410N.
Identifiers: ClinVar variation 3479852 (VCV003479852.1).